The following is an entry in ClinVar:

NM_001267550.2(TTN):c.88779T>A (p.Ile29593=)

Genes: TTN (titin; minus strand), TTN-AS1 (TTN antisense RNA 1; plus strand). Cytogenetic location: 2q31.2.
Variant type: single nucleotide variant.
Coding change: c.88779T>A on transcript NM_001267550.2 (MANE Select); coding-DNA position 88779, T replaced by A.
Protein change: p.Ile29593=; no amino-acid change (isoleucine 29593 retained).
Molecular consequence: synonymous variant.
Genome position (GRCh38, 1-based): chr2:178,554,568, A>T on the plus strand (T>A on the coding strand, the complement: TTN is on the minus strand). VCF-style: chr2-178554568-A-T. GRCh37 (hg19) VCF-style: chr2-179419295-A-T.
Other names: c.83856T>A, p.Ile27952= (NM_001256850.1); c.61584T>A, p.Ile20528= (NM_003319.4); c.81075T>A, p.Ile27025= (NM_133378.4); c.61959T>A, p.Ile20653= (NM_133432.3); c.62160T>A, p.Ile20720= (NM_133437.4).
Identifiers: ClinVar variation 1264608 (VCV001264608.12), dbSNP rs1331442107, ClinGen allele CA430246433.

ClinVar aggregate classification (germline): Benign/Likely benign. Review status: criteria provided, multiple submitters, no conflicts (2 of 4 stars). 4 submissions from 4 submitters: Benign (1); Likely benign (3). Last evaluated 2025-12-18.

Conditions:
TTN-related disorder. Also called: TTN-related condition; TTN-related disease; TTN-related disorders.
Dilated cardiomyopathy 1G (CMD1G). Identifiers: Orphanet 154, MedGen C1858763, MONDO:0011400, OMIM 604145.
Autosomal recessive limb-girdle muscular dystrophy type 2J (LGMDR10). Also called: Limb-girdle muscular dystrophy, type 2J; MUSCULAR DYSTROPHY, LIMB-GIRDLE, AUTOSOMAL RECESSIVE 10. Identifiers: Orphanet 140922, MedGen C1837342, MONDO:0012127, OMIM 608807.
Cardiovascular phenotype. Identifiers: MedGen CN230736.

Allele frequency attached by ClinVar (database versions not stated): gnomAD exomes below 0.00001; gnomAD 0.00001; TOPMed 0.00002.
gnomAD v4.1: 2 of 1,613,716 alleles (0.00012%); highest among the groups gnomAD compares: African/African-American, 0.0013%; no homozygotes.

Submissions (4):

PreventionGenetics, part of Exact Sciences
Classification: Likely benign for TTN-related condition. Last evaluated: 2025-12-18. Review status: criteria provided, single submitter. Criteria: ACMG Guidelines, 2015. Collection method: clinical testing. Allele origin: germline.
Comment: This variant is classified as likely benign based on ACMG/AMP sequence variant interpretation guidelines (Richards et al. 2015 PMID: 25741868, with internal and published modifications).

Ambry Genetics
Classification: Likely benign for Cardiovascular phenotype. Last evaluated: 2024-05-25. Review status: criteria provided, single submitter. Criteria: Ambry Variant Classification Scheme 2023. Collection method: clinical testing. Allele origin: germline.

Labcorp Genetics (formerly Invitae), Labcorp
Classification: Likely benign for Dilated cardiomyopathy 1G; Autosomal recessive limb-girdle muscular dystrophy type 2J. Last evaluated: 2021-12-22. Review status: criteria provided, single submitter. Criteria: Invitae Variant Classification Sherloc (09022015). Collection method: clinical testing. Allele origin: germline.

GeneDx
Classification: Benign. Last evaluated: 2015-11-03. Review status: criteria provided, single submitter. Criteria: GeneDx Variant Classification Process June 2021. Collection method: clinical testing. Allele origin: germline. Affected: yes.